The following is an entry in ClinVar:

ClinVar aggregate classification (germline): Likely benign. Review status: criteria provided, single submitter (1 of 4 stars). 2 submissions from 2 submitters: Likely benign (1). 1 of the submissions does not count toward it. Last evaluated 2025-12-19.

Conditions:
Hereditary breast ovarian cancer syndrome. Also called: BRCA1- and BRCA2-Associated Hereditary Breast and Ovarian Cancer; Hereditary breast and ovarian cancer syndrome (HBOC); Hereditary breast and ovarian cancer syndrome; Breast and ovarian cancer; Hereditary breast and ovarian cancer; Hereditary breast and/or ovarian cancer syndrome. Identifiers: Orphanet 145, MedGen C0677776, MeSH D061325, MONDO:0003582. Disease mechanism: loss of function.
Malignant tumor of breast. Also called: Malignant breast neoplasm; Cancer breast. Identifiers: MedGen C0006142, MONDO:0007254. Disease mechanism: loss of function.

Allele frequency attached by ClinVar (database versions not stated): TOPMed 0.00001.
gnomAD v4.1: 2 of 1,610,524 alleles (0.00012%); highest among the groups gnomAD compares: African/African-American, 0.0013%; no homozygotes.

Submissions (3):

Labcorp Genetics (formerly Invitae), Labcorp
Classification: Likely benign for Hereditary breast ovarian cancer syndrome. Last evaluated: 2025-12-19. Review status: criteria provided, single submitter. Criteria: Invitae Variant Classification Sherloc (09022015). Collection method: clinical testing. Allele origin: germline.

Brotman Baty Institute, University of Washington
No classification provided (evidence only). Condition: Breast-ovarian cancer, familial 1. Review status: no classification provided. Collection method: in vitro. Allele origin: not applicable. Functional consequence: functionally_normal. Not counted in ClinVar's aggregate classification.
ClinVar note: "not provided" was previously submitted as the classification for the variant. However, the classification appeared to be based only on an observation of functional data so it was converted to no classification on 2025-07-30.

Department of Pathology and Laboratory Medicine, Sinai Health System
Classification: Uncertain significance for Malignant tumor of breast. Review status: no assertion criteria provided. Collection method: clinical testing. Allele origin: unknown. Affected: yes. Study: The Canadian Open Genetics Repository (COGR). Not counted in ClinVar's aggregate classification.
Comment: The BRCA1 c.81-14C>A variant was not identified in the literature, nor was it identified in dbSNP, the 1000 Genomes Project, the NHLBI Exome Sequencing Project, the Exome Aggregation Consortium, GeneInsight COGR, ClinVar, Clinvitae, COSMIC, MutDB, BRCA Share, BIC, ARUP Laboratories BRCA Mutations Database, the Fanconi Anemia Mutation Database (LOVD). The variant occurs outside of the splicing consensus sequence and 3 of 5 in silico or computational prediction software programs (SpliceSiteFinder, MaxEntScan, NNSPLICE, GeneSplicer, HumanSpliceFinder) predict a greater than 10% difference in splicing. However, this information is not predictive enough to assume pathogenicity. There are two other variants found at this position with different nucleotide change in ClinVar database: c.81-14C>G variant classified as likely benign and c.81-14C>T variant with conflicting classification however we have classified the c.81-14C>T as benign. In summary, based on the above information, the clinical significance of this variant cannot be determined with certainty at this time. This variant is classified as a variant of uncertain significance.

NM_007294.4(BRCA1):c.81-14C>A

Gene: BRCA1 (BRCA1 DNA repair associated; minus strand). Cytogenetic location: 17q21.31.
Variant type: single nucleotide variant.
Coding change: c.81-14C>A on transcript NM_007294.4 (MANE Select); 14 bases into the intron before coding-DNA position 81, C replaced by A.
Molecular consequence: intron variant.
Genome position (GRCh38, 1-based): chr17:43,115,793, G>T on the plus strand (C>A on the coding strand, the complement: BRCA1 is on the minus strand). VCF-style: chr17-43115793-G-T. GRCh37 (hg19) VCF-style: chr17-41267810-G-T.
Other names: c.-61-14C>A (NM_001408458.1, NM_001408470.1, NM_001407848.1 and 47 more transcripts); c.-219+9484C>A (NM_001407967.1); c.-170+9484C>A (NM_001407959.1); c.-7-9260C>A (NM_001407931.1, NM_001407747.1, NM_001408511.1 and 2 more transcripts); c.-223-14C>A (NM_001407962.1, NM_001408512.1, NM_001408510.1 and 1 more transcripts); c.-108-14C>A (NM_001407885.1, NM_001407886.1, NM_001408509.1 and 52 more transcripts); c.-177-14C>A (NM_001407746.1, NM_001408468.1, NM_001407842.1 and 13 more transcripts); c.-8+8224C>A (NM_001408461.1, NM_001407738.1, NM_001407932.1 and 23 more transcripts); and 10 more.
Identifiers: ClinVar variation 792545 (VCV000792545.15), dbSNP rs80358006, ClinGen allele CA626084963.